The following is an entry in ClinVar:

NM_000275.3(OCA2):c.2030T>C (p.Val677Ala)

Gene: OCA2 (OCA2 melanosomal transmembrane protein; minus strand). Cytogenetic location: 15q13.1.
Variant type: single nucleotide variant.
Coding change: c.2030T>C on transcript NM_000275.3 (MANE Select); coding-DNA position 2030, T replaced by C.
Protein change: p.Val677Ala; replaces valine 677 with alanine.
Molecular consequence: missense variant.
Genome position (GRCh38, 1-based): chr15:27,926,176, A>G on the plus strand (T>C on the coding strand, the complement: OCA2 is on the minus strand). VCF-style: chr15-27926176-A-G. GRCh37 (hg19) VCF-style: chr15-28171322-A-G.
Other names: c.1958T>C, p.Val653Ala (NM_001300984.2); short protein forms V677A, V653A.
Identifiers: ClinVar variation 1516933 (VCV001516933.8), dbSNP rs2140371787, ClinGen allele CA391361109.

ClinVar aggregate classification (germline): Likely pathogenic (1 of 4 stars; one submission).

Allele frequency attached by ClinVar (database versions not stated): gnomAD exomes below 0.00001.
gnomAD v4.1: 2 of 1,614,158 alleles (0.00012%); highest among the groups gnomAD compares: Non-Finnish European, 0.00017%; no homozygotes.

Submission:

Labcorp Genetics (formerly Invitae), Labcorp
Classification: Likely pathogenic. Last evaluated: 2021-05-08. Review status: criteria provided, single submitter. Criteria: Invitae Variant Classification Sherloc (09022015). Collection method: clinical testing. Allele origin: germline.
Comment: In summary, the currently available evidence indicates that the variant is pathogenic, but additional data are needed to prove that conclusively. Therefore, this variant has been classified as Likely Pathogenic. This variant disrupts the p.Val677 amino acid residue in OCA2. Other variant(s) that disrupt this residue have been observed in individuals with OCA2-related conditions (PMID: 31077556), which suggests that this may be a clinically significant amino acid residue. Advanced modeling of protein sequence and biophysical properties (such as structural, functional, and spatial information, amino acid conservation, physicochemical variation, residue mobility, and thermodynamic stability) performed at Invitae indicates that this missense variant is expected to disrupt OCA2 protein function. This variant has been observed in individual(s) with clinical features of oculocutaneous albinism (PMID: 27734839, Invitae). This variant is not present in population databases (ExAC no frequency). This sequence change replaces valine with alanine at codon 677 of the OCA2 protein (p.Val677Ala). The valine residue is highly conserved and there is a small physicochemical difference between valine and alanine.

Literature cited by the submitters: PubMed 31077556; PubMed 27734839.